The following is an entry in ClinVar:

ClinVar aggregate classification (germline): Uncertain significance. Review status: criteria provided, multiple submitters, no conflicts (2 of 4 stars). 2 submissions from 2 submitters: Uncertain significance (2). Last evaluated 2025-11-20.

gnomAD v4.1: 81 of 1,613,838 alleles (0.005%); highest among the groups gnomAD compares: Non-Finnish European, 0.0062%; no homozygotes.

Submissions (2):

Ambry Genetics
Classification: Uncertain significance. Last evaluated: 2025-11-20. Review status: criteria provided, single submitter. Criteria: Ambry Variant Classification Scheme 2023. Collection method: clinical testing. Allele origin: germline.

Labcorp Genetics (formerly Invitae), Labcorp
Classification: Uncertain significance. Last evaluated: 2024-03-25. Review status: criteria provided, single submitter. Criteria: Invitae Variant Classification Sherloc (09022015). Collection method: clinical testing. Allele origin: germline.
Comment: This sequence change replaces asparagine, which is neutral and polar, with serine, which is neutral and polar, at codon 28 of the RPL31 protein (p.Asn28Ser). This variant is present in population databases (rs748761150, gnomAD 0.006%). This variant has not been reported in the literature in individuals affected with RPL31-related conditions. An algorithm developed to predict the effect of missense changes on protein structure and function (PolyPhen-2) suggests that this variant is likely to be tolerated. In summary, the available evidence is currently insufficient to determine the role of this variant in disease. Therefore, it has been classified as a Variant of Uncertain Significance.

NM_000993.5(RPL31):c.83A>G (p.Asn28Ser)

Gene: RPL31 (ribosomal protein L31; plus strand). Cytogenetic location: 2q11.2.
Variant type: single nucleotide variant.
Coding change: c.83A>G on transcript NM_000993.5 (MANE Select); coding-DNA position 83, A replaced by G.
Protein change: p.Asn28Ser; replaces asparagine 28 with serine.
Molecular consequence: missense variant.
Genome position (GRCh38, 1-based): chr2:101,002,784, A>G. VCF-style: chr2-101002784-A-G. GRCh37 (hg19) VCF-style: chr2-101619246-A-G.
Other names: c.83A>G, p.Asn28Ser (NM_001098577.3, NM_001099693.2); c.83A>G (NM_001098577.2); short protein forms N28S.
Identifiers: ClinVar variation 3698847 (VCV003698847.3).